The following is an entry in ClinVar:

NM_174934.4(SCN4B):c.-36C>G

Gene: SCN4B (sodium voltage-gated channel beta subunit 4; minus strand). Cytogenetic location: 11q23.3.
Variant type: single nucleotide variant.
Coding change: c.-36C>G on transcript NM_174934.4 (MANE Select); 36 bases upstream of the start codon, C replaced by G.
Molecular consequence: 5 prime UTR variant.
Genome position (GRCh38, 1-based): chr11:118,152,709, G>C on the plus strand (C>G on the coding strand, the complement: SCN4B is on the minus strand). VCF-style: chr11-118152709-G-C. GRCh37 (hg19) VCF-style: chr11-118023424-G-C.
Other names: c.-36C>G (NM_001142348.2).
Identifiers: ClinVar variation 378536 (VCV000378536.1), dbSNP rs144902867, ClinGen allele CA6300364.

ClinVar aggregate classification (germline): Benign (1 of 4 stars; one submission).

Allele frequency attached by ClinVar (database versions not stated): TOPMed 0.00010; gnomAD 0.00011; 1000 Genomes Project 30x 0.00016; 1000 Genomes Project 0.00020.
gnomAD v4.1: 91 of 1,557,214 alleles (0.0058%); highest among the groups gnomAD compares: Non-Finnish European, 0.0072%; no homozygotes.

Submission:

GeneDx
Classification: Benign. Last evaluated: 2015-07-08. Review status: criteria provided, single submitter. Criteria: GeneDx Variant Classification (06012015). Collection method: clinical testing. Allele origin: germline. Affected: yes.
Comment: This variant is considered likely benign or benign based on one or more of the following criteria: it is a conservative change, it occurs at a poorly conserved position in the protein, it is predicted to be benign by multiple in silico algorithms, and/or has population frequency not consistent with disease.